The following is an entry in ClinVar:

ClinVar aggregate classification (germline): Uncertain significance (1 of 4 stars; one submission).

Submission:

Ambry Genetics
Classification: Uncertain significance. Last evaluated: 2026-06-16. Review status: criteria provided, single submitter. Criteria: Ambry Variant Classification Scheme 2023. Collection method: clinical testing. Allele origin: germline.
Comment: The p.D245G variant (also known as c.734A>G), located in coding exon 1 of the CDK12 gene, results from an A to G substitution at nucleotide position 734. The aspartic acid at codon 245 is replaced by glycine, an amino acid with similar properties. This amino acid position is conserved. In addition, this alteration is predicted to be tolerated by in silico analysis. Based on the available evidence, the clinical significance of this variant remains unclear.

NM_016507.4(CDK12):c.734A>G (p.Asp245Gly)

Genes: CDK12 (cyclin dependent kinase 12; plus strand), LOC126862553 (CDK7 strongly-dependent group 2 enhancer GRCh37_chr17:37618166-37619365; plus strand). Cytogenetic location: 17q12.
Variant type: single nucleotide variant.
Coding change: c.734A>G on transcript NM_016507.4 (MANE Select); coding-DNA position 734, A replaced by G.
Protein change: p.Asp245Gly; replaces aspartic acid 245 with glycine.
Molecular consequence: missense variant.
Genome position (GRCh38, 1-based): chr17:39,462,805, A>G. VCF-style: chr17-39462805-A-G. GRCh37 (hg19) VCF-style: chr17-37619058-A-G.
Other names: c.734A>G, p.Asp245Gly (NM_015083.4); short protein forms D245G.
Identifiers: ClinVar variation 5034049 (VCV005034049.1).